The following is an entry in ClinVar:

ClinVar aggregate classification (germline): Likely benign. Review status: criteria provided, multiple submitters, no conflicts (2 of 4 stars). 4 submissions from 4 submitters: Likely benign (3). 1 of the submissions does not count toward it. Last evaluated 2025-01-24.

Conditions:
Inborn genetic diseases. Identifiers: MedGen C0950123, MeSH D030342.
FANCM-related disorder. Also called: FANCM-related condition.
Fanconi anemia (FA). Also called: Fanconi's anemia. Identifiers: Orphanet 84, MedGen C0015625, MeSH D005199, MONDO:0019391.

gnomAD v4.1: 28 of 1,613,498 alleles (0.0017%); highest among the groups gnomAD compares: South Asian, 0.027%; 1 homozygote.

Submissions (4):

Ambry Genetics
Classification: Likely benign for Inborn genetic diseases. Last evaluated: 2025-01-24. Review status: criteria provided, single submitter. Criteria: Ambry Variant Classification Scheme 2023. Collection method: clinical testing. Allele origin: germline.

Labcorp Genetics (formerly Invitae), Labcorp
Classification: Likely benign for Fanconi anemia. Last evaluated: 2025-01-20. Review status: criteria provided, single submitter. Criteria: Invitae Variant Classification Sherloc (09022015). Collection method: clinical testing. Allele origin: germline.

Quest Diagnostics Nichols Institute San Juan Capistrano
Classification: Likely benign. Last evaluated: 2023-09-21. Review status: criteria provided, single submitter. Criteria: Quest Diagnostics criteria. Collection method: clinical testing. Allele origin: unknown.

PreventionGenetics, part of Exact Sciences
Classification: Likely benign for FANCM-related condition. Last evaluated: 2022-06-08. Review status: no assertion criteria provided. Collection method: clinical testing. Allele origin: germline. Not counted in ClinVar's aggregate classification.
Comment: This variant is classified as likely benign based on ACMG/AMP sequence variant interpretation guidelines (Richards et al. 2015 PMID: 25741868, with internal and published modifications).

NM_020937.4(FANCM):c.2859A>G (p.Lys953=)

Gene: FANCM (FA complementation group M; plus strand). Cytogenetic location: 14q21.2.
Variant type: single nucleotide variant.
Coding change: c.2859A>G on transcript NM_020937.4 (MANE Select); coding-DNA position 2859, A replaced by G.
Protein change: p.Lys953=; no amino-acid change (lysine 953 retained).
Molecular consequence: synonymous variant.
Genome position (GRCh38, 1-based): chr14:45,175,613, A>G. VCF-style: chr14-45175613-A-G. GRCh37 (hg19) VCF-style: chr14-45644816-A-G.
Other names: c.2781A>G, p.Lys927= (NM_001308133.2); c.2859A>G (NM_020937.3, NM_020937.2).
Identifiers: ClinVar variation 1103979 (VCV001103979.13), dbSNP rs142864437, ClinGen allele CA7169421.